The following is an entry in ClinVar:

NM_001089.3(ABCA3):c.397G>A (p.Val133Met)

Gene: ABCA3 (ATP binding cassette subfamily A member 3; minus strand). Cytogenetic location: 16p13.3.
Variant type: single nucleotide variant.
Coding change: c.397G>A on transcript NM_001089.3 (MANE Select); coding-DNA position 397, G replaced by A.
Protein change: p.Val133Met; replaces valine 133 with methionine.
Molecular consequence: missense variant.
Genome position (GRCh38, 1-based): chr16:2,324,454, C>T on the plus strand (G>A on the coding strand, the complement: ABCA3 is on the minus strand). VCF-style: chr16-2324454-C-T. GRCh37 (hg19) VCF-style: chr16-2374455-C-T.
Other names: short protein forms V133M.
Identifiers: ClinVar variation 318573 (VCV000318573.7), dbSNP rs201400258, ClinGen allele CA7841680.

ClinVar aggregate classification (germline): Uncertain significance. Review status: criteria provided, multiple submitters, no conflicts (2 of 4 stars). 2 submissions from 2 submitters: Uncertain significance (2). Last evaluated 2018-01-13.

Conditions:
Hereditary pulmonary alveolar proteinosis. Also called: Pulmonary surfactant metabolism dysfunction. Identifiers: Orphanet 264675, MedGen C3711368, MONDO:0012580.
Interstitial lung disease due to ABCA3 deficiency. Also called: PULMONARY ALVEOLAR PROTEINOSIS, CONGENITAL, 3. Identifiers: Orphanet 440402, MedGen C1970456, MONDO:0012582, OMIM 610921.

Allele frequency attached by ClinVar (database versions not stated): gnomAD 0.00007; gnomAD exomes 0.00007 and 0.00013; ESP Exome Variant Server 0.00008; ExAC 0.00009; TOPMed 0.00012; 1000 Genomes Project 30x 0.00016; 1000 Genomes Project 0.00020.
gnomAD v4.1: 199 of 1,608,946 alleles (0.012%); highest among the groups gnomAD compares: Middle Eastern, 0.017%; no homozygotes.

Submissions (2):

Illumina Laboratory Services, Illumina
Classification: Uncertain significance for Interstitial lung disease due to ABCA3 deficiency. Last evaluated: 2018-01-13. Review status: criteria provided, single submitter. Criteria: ICSL Variant Classification Criteria 13 December 2019. Collection method: clinical testing. Allele origin: germline.

Ambry Genetics
Classification: Uncertain significance for Hereditary pulmonary alveolar proteinosis. Last evaluated: 2014-10-31. Review status: criteria provided, single submitter. Criteria: Ambry Variant Classification Scheme 2023. Collection method: clinical testing. Allele origin: germline.
Comment: The p.V133M variant (also known as c.397G>A), located in coding exon 3 of the ABCA3 gene, results from a G to A substitution at nucleotide position 397. The valine at codon 133 is replaced by methionine, an amino acid with highly similar properties. This variant was previously reported in the SNPDatabase as rs201400258. Based on data from the 1000 Genomes Project, the A allele has an overall frequency of approximately 0.05% (1/2098) total alleles studied. The highest observed frequency was 0.59% (1/170) CEPH alleles. Based on data from the NHLBI Exome Sequencing Project (ESP), the A allele has an overall frequency of approximately 0.01% (1/12996) total alleles studied and 0.01% (1/8600) European American alleles. This amino acid position is not well conserved in available vertebrate species. In addition, the in silico prediction for this alteration is inconclusive. Since supporting evidence is limited at this time, the clinical significance of this variant remains unclear.